The following is an entry in ClinVar:

ClinVar aggregate classification (germline): Pathogenic/Likely pathogenic. Review status: criteria provided, multiple submitters, no conflicts (2 of 4 stars). 8 submissions from 8 submitters: Pathogenic (3); Likely pathogenic (3). 2 of the submissions do not count toward it. Last evaluated 2026-02-05.

Conditions:
Arthrogryposis multiplex congenita 6. Identifiers: MedGen C5543431, MONDO:0030281, OMIM 619334.
Nemaline myopathy 2 (NEM2). Also called: Nemaline myopathy 2, autosomal recessive. Identifiers: MedGen C1850569, MONDO:0009725, OMIM 256030.

Allele frequency attached by ClinVar (database versions not stated): gnomAD exomes below 0.00001.
gnomAD v4.1: 1 of 1,611,408 alleles (0.000062%); highest among the groups gnomAD compares: Non-Finnish European, 0.000085%; no homozygotes.

Submissions (8):

Dasa
Classification: Pathogenic. Last evaluated: 2026-02-05. Review status: criteria provided, single submitter. Criteria: DASA Assertion Criteria. Collection method: clinical testing. Allele origin: germline.
Comment: NM_001164508.2(NEB):c.8889+1G>A affects a canonical splice site and is predicted to disrupt normal RNA splicing, leading to loss of normal protein function. Loss-of-function is an established mechanism of disease for this gene. This variant has been reported in individuals with related phenotype (PMID: 33667896). The variant is present at low frequency in population datasets. Based on the available data, this variant is classified as pathogenic.

Labcorp Genetics (formerly Invitae), Labcorp
Classification: Pathogenic for Nemaline myopathy 2. Last evaluated: 2025-09-02. Review status: criteria provided, single submitter. Criteria: Invitae Variant Classification Sherloc (09022015). Collection method: clinical testing. Allele origin: germline.
Comment: This sequence change affects a donor splice site in intron 62 of the NEB gene. It is expected to disrupt RNA splicing. Variants that disrupt the donor or acceptor splice site typically lead to a loss of protein function (PMID: 16199547), and loss-of-function variants in NEB are known to be pathogenic (PMID: 25205138). This variant is not present in population databases (gnomAD no frequency). Disruption of this splice site has been observed in individual(s) with clinical features of NEB-related conditions (PMID: 36233295, 36714460; internal data). ClinVar contains an entry for this variant (Variation ID: 556035). Algorithms developed to predict the effect of sequence changes on RNA splicing suggest that this variant may disrupt the consensus splice site. For these reasons, this variant has been classified as Pathogenic.

Fulgent Genetics
Classification: Pathogenic for Nemaline myopathy 2; Arthrogryposis multiplex congenita 6. Last evaluated: 2024-04-04. Review status: criteria provided, single submitter. Criteria: ACMG Guidelines, 2015. Collection method: clinical testing. Allele origin: germline.

Broad Center for Mendelian Genomics, Broad Institute of MIT and Harvard
Classification: Likely pathogenic for Nemaline myopathy 2. Last evaluated: 2023-05-02. Review status: criteria provided, single submitter. Criteria: ACMG Guidelines, 2015. Collection method: curation. Allele origin: germline. Inheritance: Autosomal recessive inheritance.
Comment: The c.8889+1G>A variant in NEB has been previously reported in four unrelated individuals with nemaline myopathy 2 (PMID: 36233295, PMID: 33667896, PMID: 36714460). Of these four previously reported affected individuals (PMID: 36233295, PMID: 33667896), two were compound heterozygotes who carried likely pathogenic variants in trans (PMID: 33667896, ClinVar ID 370674; PMID: 33667896, ClinVar Variation ID: 1458230), which increases the likelihood that the c.8889+1G>A variant in NEB is pathogenic. This variant has also been reported in ClinVar (Variation ID: 556035) and has been interpreted as likely pathogenic by Counsyl, Mendelics, Baylor Genetics, Invitae, and Natera, Inc. This variant was absent from large population studies. This variant is located in the 5' splice region. Computational tools do suggest an impact to splicing. However, this information is not predictive enough to determine pathogenicity. There is an in-frame cryptic splice site 204 bases from the intron-exon boundary, providing evidence that this variant may delete 68 amino acids instead of causing loss of function. However, this information is not predictive enough to determine pathogenicity. Loss of function of the NEB gene is an established disease mechanism in autosomal recessive nemaline myopathy. In summary, although additional studies are required to fully establish its clinical significance, this variant is likely pathogenic for autosomal recessive nemaline myopathy. ACMG/AMP Criteria applied: PVS1_Moderate, PM2_Supporting, PM3_Strong (Richards 2015).

Baylor Genetics
Classification: Likely pathogenic for Nemaline myopathy 2. Last evaluated: 2020-02-06. Review status: criteria provided, single submitter. Criteria: ACMG Guidelines, 2015. Collection method: clinical testing. Allele origin: unknown. Affected: yes.
Comment: This variant was determined to be likely pathogenic according to ACMG Guidelines, 2015 [PMID:25741868].

Mendelics
Classification: Likely pathogenic for Nemaline myopathy 2. Last evaluated: 2019-05-28. Review status: criteria provided, single submitter. Criteria: Mendelics Assertion Criteria 2017. Collection method: clinical testing. Allele origin: unknown.

Natera, Inc.
Classification: Likely pathogenic for Nemaline myopathy type 2. Last evaluated: 2020-06-26. Review status: no assertion criteria provided. Collection method: clinical testing. Allele origin: germline. Not counted in ClinVar's aggregate classification.

Counsyl
Classification: Likely pathogenic for Nemaline myopathy 2. Last evaluated: 2018-01-09. Review status: no assertion criteria provided. Collection method: clinical testing. Allele origin: unknown. Not counted in ClinVar's aggregate classification.

Literature cited by the submitters: PubMed 33667896 (cited by Dasa); PubMed 16199547 (cited by Labcorp Genetics (formerly Invitae), Labcorp); PubMed 25205138 (cited by Labcorp Genetics (formerly Invitae), Labcorp); PubMed 36233295 (cited by Labcorp Genetics (formerly Invitae), Labcorp); PubMed 36714460 (cited by Labcorp Genetics (formerly Invitae), Labcorp).

NM_001164508.2(NEB):c.8889+1G>A

Gene: NEB (nebulin; minus strand). Cytogenetic location: 2q23.3.
Variant type: single nucleotide variant.
Coding change: c.8889+1G>A on transcript NM_001164508.2 (MANE Select); the canonical splice donor site of the intron after coding-DNA position 8889, G replaced by A.
Molecular consequence: splice donor variant. On other transcripts: intron variant (1).
Genome position (GRCh38, 1-based): chr2:151,639,856, C>T on the plus strand (G>A on the coding strand, the complement: NEB is on the minus strand). VCF-style: chr2-151639856-C-T. GRCh37 (hg19) VCF-style: chr2-152496370-C-T.
Other names: c.8853+37G>A (NM_004543.5); c.8889+1G>A (NM_001164507.2, NM_001271208.2).
Identifiers: ClinVar variation 556035 (VCV000556035.17), dbSNP rs1553963960, ClinGen allele CA348809045.